The following is an entry in ClinVar:

ClinVar aggregate classification (germline): Uncertain significance. Review status: criteria provided, multiple submitters, no conflicts (2 of 4 stars). 3 submissions from 3 submitters: Uncertain significance (3). Last evaluated 2025-05-18.

Allele frequency attached by ClinVar (database versions not stated): TOPMed below 0.00001; ExAC 0.00003; gnomAD 0.00003; gnomAD exomes 0.00006.
gnomAD v4.1: 58 of 1,587,886 alleles (0.0037%); highest among the groups gnomAD compares: South Asian, 0.064%; 1 homozygote.

Submissions (3):

Ambry Genetics
Classification: Uncertain significance. Last evaluated: 2025-05-18. Review status: criteria provided, single submitter. Criteria: Ambry Variant Classification Scheme 2023. Collection method: clinical testing. Allele origin: germline.

Blueprint Genetics
Classification: Uncertain significance. Last evaluated: 2022-05-10. Review status: criteria provided, single submitter. Criteria: ACMG Guidelines, 2015. Collection method: clinical testing. Allele origin: germline.

Labcorp Genetics (formerly Invitae), Labcorp
Classification: Uncertain significance. Last evaluated: 2021-03-08. Review status: criteria provided, single submitter. Criteria: Invitae Variant Classification Sherloc (09022015). Collection method: clinical testing. Allele origin: germline.
Comment: In summary, the available evidence is currently insufficient to determine the role of this variant in disease. Therefore, it has been classified as a Variant of Uncertain Significance. Algorithms developed to predict the effect of missense changes on protein structure and function (SIFT, PolyPhen-2, Align-GVGD) all suggest that this variant is likely to be tolerated, but these predictions have not been confirmed by published functional studies and their clinical significance is uncertain. This variant has not been reported in the literature in individuals with DHX38-related conditions. This variant is present in population databases (rs746253079, ExAC 0.01%). This sequence change replaces glutamic acid with lysine at codon 1174 of the DHX38 protein (p.Glu1174Lys). The glutamic acid residue is highly conserved and there is a small physicochemical difference between glutamic acid and lysine.

NM_014003.4(DHX38):c.3520G>A (p.Glu1174Lys)

Gene: DHX38 (DEAH-box helicase 38; plus strand). Cytogenetic location: 16q22.2.
Variant type: single nucleotide variant.
Coding change: c.3520G>A on transcript NM_014003.4 (MANE Select); coding-DNA position 3520, G replaced by A.
Protein change: p.Glu1174Lys; replaces glutamic acid 1174 with lysine.
Molecular consequence: missense variant.
Genome position (GRCh38, 1-based): chr16:72,110,998, G>A. VCF-style: chr16-72110998-G-A. GRCh37 (hg19) VCF-style: chr16-72144897-G-A.
Other names: c.3520G>A (NM_014003.3); short protein forms E1174K.
Identifiers: ClinVar variation 1480332 (VCV001480332.9), dbSNP rs746253079, ClinGen allele CA8161021.